The following is an entry in ClinVar:

NM_000286.3(PEX12):c.391G>A (p.Glu131Lys)

Gene: PEX12 (peroxisomal biogenesis factor 12; minus strand). Cytogenetic location: 17q12.
Variant type: single nucleotide variant.
Coding change: c.391G>A on transcript NM_000286.3 (MANE Select); coding-DNA position 391, G replaced by A.
Protein change: p.Glu131Lys; replaces glutamic acid 131 with lysine.
Molecular consequence: missense variant.
Genome position (GRCh38, 1-based): chr17:35,577,327, C>T on the plus strand (G>A on the coding strand, the complement: PEX12 is on the minus strand). VCF-style: chr17-35577327-C-T. GRCh37 (hg19) VCF-style: chr17-33904346-C-T.
Other names: short protein forms E131K.
Identifiers: ClinVar variation 1388261 (VCV001388261.5), dbSNP rs768259519, ClinGen allele CA399138233.

ClinVar aggregate classification (germline): Uncertain significance (1 of 4 stars; one submission).

Conditions:
Peroxisome biogenesis disorder 3A (Zellweger). Also called: PEROXISOMAL BIOGENESIS DISORDER 3A (ZELLWEGER); Peroxisome biogenesis disorder 3A. Identifiers: Orphanet 912, MedGen C3553929, MONDO:0013927, OMIM 614859.

Submission:

Labcorp Genetics (formerly Invitae), Labcorp
Classification: Uncertain significance for Peroxisome biogenesis disorder 3A (Zellweger). Last evaluated: 2021-09-02. Review status: criteria provided, single submitter. Criteria: Invitae Variant Classification Sherloc (09022015). Collection method: clinical testing. Allele origin: germline.
Comment: This sequence change replaces glutamic acid with lysine at codon 131 of the PEX12 protein (p.Glu131Lys). The glutamic acid residue is moderately conserved and there is a small physicochemical difference between glutamic acid and lysine. This variant is not present in population databases (ExAC no frequency). This variant has not been reported in the literature in individuals affected with PEX12-related conditions. Algorithms developed to predict the effect of missense changes on protein structure and function are either unavailable or do not agree on the potential impact of this missense change (SIFT: "Tolerated"; PolyPhen-2: "Possibly Damaging"; Align-GVGD: "Class C0"). In summary, the available evidence is currently insufficient to determine the role of this variant in disease. Therefore, it has been classified as a Variant of Uncertain Significance.